The following is an entry in ClinVar:

NM_005984.5(SLC25A1):c.94+19C>T

Gene: SLC25A1 (solute carrier family 25 member 1; minus strand). Cytogenetic location: 22q11.21.
Variant type: single nucleotide variant.
Coding change: c.94+19C>T on transcript NM_005984.5 (MANE Select); 19 bases into the intron after coding-DNA position 94, C replaced by T.
Molecular consequence: intron variant.
Genome position (GRCh38, 1-based): chr22:19,178,561, G>A on the plus strand (C>T on the coding strand, the complement: SLC25A1 is on the minus strand). VCF-style: chr22-19178561-G-A. GRCh37 (hg19) VCF-style: chr22-19166074-G-A.
Identifiers: ClinVar variation 391215 (VCV000391215.1), dbSNP rs1057524006, ClinGen allele CA16608098.
Genomic context (GRCh38, chr22:19,178,561, plus strand): 5'-GAAGTGGGGCGGGGCCTCAGCGTCCCGGGCCCACCCAGAAGCGCGGCGGGAGAGGGGTCC[G>A]CGTCCCGGAGGGGCCCACCTGCCAGGATCGCCTTCCCCGGGTGCGTCAGCTTGGCCTTCC-3'

ClinVar aggregate classification (germline): Likely benign (1 of 4 stars; one submission).

Allele frequency attached by ClinVar (database versions not stated): gnomAD exomes 0.00001.
gnomAD v4.1: 7 of 1,244,526 alleles (0.00056%); highest among the groups gnomAD compares: African/African-American, 0.0016%; no homozygotes.

Submission:

GeneDx
Classification: Likely benign. Last evaluated: 2016-11-29. Review status: criteria provided, single submitter. Criteria: GeneDx Variant Classification (06012015). Collection method: clinical testing. Allele origin: germline. Affected: yes.
Comment: This variant is considered likely benign or benign based on one or more of the following criteria: it is a conservative change, it occurs at a poorly conserved position in the protein, it is predicted to be benign by multiple in silico algorithms, and/or has population frequency not consistent with disease.